The following is an entry in ClinVar:

NM_182961.4(SYNE1):c.13214T>C (p.Ile4405Thr)

Gene: SYNE1 (spectrin repeat containing nuclear envelope protein 1; minus strand). Cytogenetic location: 6q25.2.
Variant type: single nucleotide variant.
Coding change: c.13214T>C on transcript NM_182961.4 (MANE Select); coding-DNA position 13214, T replaced by C.
Protein change: p.Ile4405Thr; replaces isoleucine 4405 with threonine.
Molecular consequence: missense variant.
Genome position (GRCh38, 1-based): chr6:152,331,471, A>G on the plus strand (T>C on the coding strand, the complement: SYNE1 is on the minus strand). VCF-style: chr6-152331471-A-G. GRCh37 (hg19) VCF-style: chr6-152652606-A-G.
Other names: c.13001T>C, p.Ile4334Thr (NM_033071.5); short protein forms I4334T, I4405T.
Identifiers: ClinVar variation 2657018 (VCV002657018.24), dbSNP rs2153974126, ClinGen allele CA366102205.

ClinVar aggregate classification (germline): Uncertain significance (1 of 4 stars; one submission).

Submission:

CeGaT Center for Human Genetics Tuebingen
Classification: Uncertain significance. Last evaluated: 2022-08-01. Review status: criteria provided, single submitter. Criteria: CeGaT Center For Human Genetics Tuebingen Variant Classification Criteria Version 2. Collection method: clinical testing. Allele origin: germline. Affected: yes. Observed: 1 variant allele.
Comment: SYNE1: PM2, BP4